The following is an entry in ClinVar:

ClinVar aggregate classification (germline): Benign (0 of 4 stars; one submission).

Conditions:
TRPC5-related disorder. Also called: TRPC5-related condition.

Allele frequency attached by ClinVar (database versions not stated): 1000 Genomes Project 0.00371; 1000 Genomes Project 30x 0.00437; TOPMed 0.00905; ESP Exome Variant Server 0.00909; gnomAD 0.00913; ExAC 0.01038; gnomAD exomes 0.01510.
gnomAD v4.1: 17,472 of 1,209,331 alleles (1.4%); highest among the groups gnomAD compares: Non-Finnish European, 1.7%; 101 homozygotes.

Submission:

PreventionGenetics, part of Exact Sciences
Classification: Benign for TRPC5-related condition. Last evaluated: 2019-05-02. Review status: no assertion criteria provided. Collection method: clinical testing. Allele origin: germline.
Comment: This variant is classified as benign based on ACMG/AMP sequence variant interpretation guidelines (Richards et al. 2015 PMID: 25741868, with internal and published modifications).

NM_012471.3(TRPC5):c.1809C>G (p.Thr603=)

Gene: TRPC5 (transient receptor potential cation channel subfamily C member 5; minus strand). Cytogenetic location: Xq23.
Variant type: single nucleotide variant.
Coding change: c.1809C>G on transcript NM_012471.3 (MANE Select); coding-DNA position 1809, C replaced by G.
Protein change: p.Thr603=; no amino-acid change (threonine 603 retained).
Molecular consequence: synonymous variant.
Genome position (GRCh38, 1-based): chrX:111,835,008, G>C on the plus strand (C>G on the coding strand, the complement: TRPC5 is on the minus strand). VCF-style: chrX-111835008-G-C. GRCh37 (hg19) VCF-style: chrX-111078236-G-C.
Identifiers: ClinVar variation 3055303 (VCV003055303.2), dbSNP rs61729630, ClinGen allele CA10494258.